The following is an entry in ClinVar:

NM_001165963.4(SCN1A):c.1048_1049del (p.Met350fs)

Gene: SCN1A (sodium voltage-gated channel alpha subunit 1; minus strand). Cytogenetic location: 2q24.3.
Variant type: Microsatellite.
Coding change: c.1048_1049del on transcript NM_001165963.4 (MANE Select); coding-DNA positions 1048 to 1049, 2 bases deleted (AT; older notation c.1048_1049delAT).
Protein change: p.Met350fs; shifts the reading frame from methionine 350.
Molecular consequence: frameshift variant. On other transcripts: 5 prime UTR variant (1), non-coding transcript variant (1).
Genome position (GRCh38, 1-based): chr2:166,047,748-166,047,749, AT deleted on the plus strand (AT on the coding strand, the reverse complement: SCN1A is on the minus strand); deleting any 2 consecutive bases within chr2:166,047,748-166,047,753 gives the same sequence; the c. name uses the placement nearest the transcript's 3' end. VCF-style (leftmost placement, unchanged base first): chr2-166047747-CAT-C. GRCh37 (hg19) VCF-style: chr2-166904257-CAT-C.
Other names: c.1048_1049del, p.Met350fs (NM_001165964.3, NM_001202435.3, NM_001353948.2 and 10 more transcripts); c.-1382AT[2] (NM_001353961.2); short protein forms M350fs.
Identifiers: ClinVar variation 3052636 (VCV003052636.3), dbSNP rs2468190357, ClinGen allele CA2586970617.

ClinVar aggregate classification (germline): Pathogenic. Review status: criteria provided, single submitter (1 of 4 stars). 2 submissions from 2 submitters: Pathogenic (1). 1 of the submissions does not count toward it. Last evaluated 2021-08-19.

Conditions:
SCN1A-related disorder. Also called: SCN1A-related disorders; SCN1A-related conditions; SCN1A-related condition.

Submissions (2):

Blueprint Genetics
Classification: Pathogenic for SCN1A-related disorders. Last evaluated: 2021-08-19. Review status: criteria provided, single submitter. Criteria: ACMG Guidelines, 2015. Collection method: clinical testing. Allele origin: germline. Affected: yes. Observed: 1 variant allele.

PreventionGenetics, part of Exact Sciences
Classification: Pathogenic for SCN1A-related condition. Last evaluated: 2023-12-14. Review status: no assertion criteria provided. Collection method: clinical testing. Allele origin: germline. Not counted in ClinVar's aggregate classification.
Comment: The SCN1A c.1048_1049delAT variant is predicted to result in a frameshift and premature protein termination (p.Met350Valfs*6). This variant has been reported in individuals with severe myoclonic epilepsy of infancy or Dravet syndrome (Harkin et al 2007. PubMed ID: 17347258; Brunklaus A et al 2022. PubMed ID: 35074891). This variant has not been reported in a large population database, indicating it is rare. Frameshift variants in SCN1A are expected to be pathogenic. This variant is interpreted as pathogenic.